The following is an entry in ClinVar:

NM_033026.6(PCLO):c.11934T>C (p.Tyr3978=)

Gene: PCLO (piccolo presynaptic cytomatrix protein; minus strand). Cytogenetic location: 7q21.11.
Variant type: single nucleotide variant.
Coding change: c.11934T>C on transcript NM_033026.6 (MANE Select); coding-DNA position 11934, T replaced by C.
Protein change: p.Tyr3978=; no amino-acid change (tyrosine 3978 retained).
Molecular consequence: synonymous variant.
Genome position (GRCh38, 1-based): chr7:82,916,052, A>G on the plus strand (T>C on the coding strand, the complement: PCLO is on the minus strand). VCF-style: chr7-82916052-A-G. GRCh37 (hg19) VCF-style: chr7-82545368-A-G.
Other names: c.11934T>C, p.Tyr3978= (NM_014510.3).
Identifiers: ClinVar variation 1557623 (VCV001557623.38), dbSNP rs527571293, ClinGen allele CA4319481.

ClinVar aggregate classification (germline): Likely benign. Review status: criteria provided, multiple submitters, no conflicts (2 of 4 stars). 2 submissions from 2 submitters: Likely benign (2). Last evaluated 2026-01-15.

Allele frequency attached by ClinVar (database versions not stated): gnomAD exomes 0.00005 and 0.00007; ExAC 0.00007; gnomAD 0.00005; TOPMed 0.00008; 1000 Genomes Project 30x 0.00016; 1000 Genomes Project 0.00020.
gnomAD v4.1: 105 of 1,613,236 alleles (0.0065%); highest among the groups gnomAD compares: Non-Finnish European, 0.0082%; no homozygotes.

Submissions (2):

Labcorp Genetics (formerly Invitae), Labcorp
Classification: Likely benign. Last evaluated: 2026-01-15. Review status: criteria provided, single submitter. Criteria: Invitae Variant Classification Sherloc (09022015). Collection method: clinical testing. Allele origin: germline.

CeGaT Center for Human Genetics Tuebingen
Classification: Likely benign. Last evaluated: 2022-03-01. Review status: criteria provided, single submitter. Criteria: CeGaT Center For Human Genetics Tuebingen Variant Classification Criteria Version 2. Collection method: clinical testing. Allele origin: germline. Affected: yes. Observed: 1 variant allele.
Comment: PCLO: BP4, BP7